The following is an entry in ClinVar:

ClinVar aggregate classification (germline): Uncertain significance (0 of 4 stars; one submission).

Conditions:
SEMA3E-related disorder. Also called: SEMA3E-related condition.

Submission:

PreventionGenetics, part of Exact Sciences
Classification: Uncertain significance for SEMA3E-related condition. Last evaluated: 2024-03-07. Review status: no assertion criteria provided. Collection method: clinical testing. Allele origin: germline.
Comment: The SEMA3E c.170A>T variant is predicted to result in the amino acid substitution p.Asp57Val. To our knowledge, this variant has not been reported in the literature or in a large population database, indicating this variant is rare. At this time, the clinical significance of this variant is uncertain due to the absence of conclusive functional and genetic evidence.

NM_012431.3(SEMA3E):c.170A>T (p.Asp57Val)

Gene: SEMA3E (semaphorin 3E; minus strand). Cytogenetic location: 7q21.11.
Variant type: single nucleotide variant.
Coding change: c.170A>T on transcript NM_012431.3 (MANE Select); coding-DNA position 170, A replaced by T.
Protein change: p.Asp57Val; replaces aspartic acid 57 with valine.
Molecular consequence: missense variant. On other transcripts: 5 prime UTR variant (1).
Genome position (GRCh38, 1-based): chr7:83,490,220, T>A on the plus strand (A>T on the coding strand, the complement: SEMA3E is on the minus strand). VCF-style: chr7-83490220-T-A. GRCh37 (hg19) VCF-style: chr7-83119536-T-A.
Other names: c.-11A>T (NM_001178129.2); short protein forms D57V.
Identifiers: ClinVar variation 3353533 (VCV003353533.1).
Genomic context (GRCh38, chr7:83,490,220, plus strand): 5'-AGGTCCCTGCCTCCCACGAAGAGCCTCTCTTGATATTCATCCAGCAGCATTGTATGGAGA[T>A]CAAGAAATCCAAAAGGGCTATGAAATATTGATGTTCTGTTCAGATTCAAGAGCTCTGAAA-3'
Protein context (NP_036563.1, residues 47-67): SIFHSPFGFL[Asp57Val]LHTMLLDEYQ